The following is an entry in ClinVar:

ClinVar aggregate classification (germline): Uncertain significance (1 of 4 stars; one submission).

Conditions:
Amyotrophic lateral sclerosis type 1 (ALS1). Also called: AMYOTROPHIC LATERAL SCLEROSIS 1, FAMILIAL. Identifiers: Orphanet 803, MedGen C1862939, MONDO:0007103, OMIM 105400.

Submission:

Labcorp Genetics (formerly Invitae), Labcorp
Classification: Uncertain significance for Amyotrophic lateral sclerosis type 1. Last evaluated: 2024-04-01. Review status: criteria provided, single submitter. Criteria: Invitae Variant Classification Sherloc (09022015). Collection method: clinical testing. Allele origin: germline.
Comment: This sequence change replaces valine, which is neutral and non-polar, with aspartic acid, which is acidic and polar, at codon 82 of the SOD1 protein (p.Val82Asp). This variant is not present in population databases (gnomAD no frequency). This variant has not been reported in the literature in individuals affected with SOD1-related conditions. Advanced modeling of protein sequence and biophysical properties (such as structural, functional, and spatial information, amino acid conservation, physicochemical variation, residue mobility, and thermodynamic stability) performed at Invitae indicates that this missense variant is expected to disrupt SOD1 protein function with a positive predictive value of 95%. In summary, the available evidence is currently insufficient to determine the role of this variant in disease. Therefore, it has been classified as a Variant of Uncertain Significance.

NM_000454.5(SOD1):c.245T>A (p.Val82Asp)

Gene: SOD1 (superoxide dismutase 1; plus strand). Cytogenetic location: 21q22.11.
Variant type: single nucleotide variant.
Coding change: c.245T>A on transcript NM_000454.5 (MANE Select); coding-DNA position 245, T replaced by A.
Protein change: p.Val82Asp; replaces valine 82 with aspartic acid.
Molecular consequence: missense variant.
Genome position (GRCh38, 1-based): chr21:31,667,263, T>A. VCF-style: chr21-31667263-T-A. GRCh37 (hg19) VCF-style: chr21-33039576-T-A.
Other names: short protein forms V82D.
Identifiers: ClinVar variation 3637817 (VCV003637817.2).